The following is an entry in ClinVar:

ClinVar aggregate classification (germline): Pathogenic (1 of 4 stars; one submission).

Submission:

Quest Diagnostics Nichols Institute San Juan Capistrano
Classification: Pathogenic. Last evaluated: 2021-11-07. Review status: criteria provided, single submitter. Criteria: ACMG/ClinGen CNV Guidelines, 2019. Collection method: clinical testing. Allele origin: unknown.
Comment: The copy number loss of 1q21.1-q21.2 involves several genes and is expected to cause phenotypic and/or developmental abnormalities. This deletion interval involves the recurrent 1.35-Mb 1q21.1 microdeletion syndrome region (OMIM 612474). De novo and inherited deletions and duplications of the 1q21.1 locus have been associated with a broad range of features, including dysmorphic features, developmental delays, intellectual disability, autistic features, skeletal malformations including polydactyly, cardiac malformations and genitourinary abnormalities. Incomplete penetrance and variable expressivity are also features of 1q21.1 recurrent microdeletions (Haldeman-Englert et al., GeneReviews [Internet]. Available from an online resource; Digilio MC et al., Eur J Med Genet. 2013 Mar;56(3):144-9. PMID: 23270675; Bernier et al. Genet Med. 2016;18:341-349. PMID: 26066539; Mefford HC et al., N Engl J Med 2008; 359:1685-99, PMID: 18784092; Brunetti-Pierri N et al., Nat Genet. 2008;40:1466-71, PMID: 19029900). This deletion also encompasses the microdeletion region associated with autosomal recessive thrombocytopenia absent radius (TAR) syndrome (OMIM 274000).

GRCh37/hg19 1q21.1-21.2(chr1:144842544-148832359)x1

Genes: ACP6 (acid phosphatase 6, lysophosphatidic; minus strand), ANKRD34A (ankyrin repeat domain 34A; minus strand), ANKRD35 (ankyrin repeat domain 35; minus strand), BCL9 (BCL9 transcription coactivator; plus strand), CD160 (CD160 molecule; plus strand) and 29 more. Cytogenetic location: 1q21.1-21.2.
Variant type: copy number loss.
Change: copy number 1 (one copy instead of two) of chr1:144,842,544-148,832,359 (3.99 Mb, GRCh37 coordinates, 1-based), cytogenetic band 1q21.1-21.2.
Identifiers: ClinVar variation 565149 (VCV000565149.2).